The following is an entry in ClinVar:

ClinVar aggregate classification (germline): Uncertain significance. Review status: criteria provided, multiple submitters, no conflicts (2 of 4 stars). 4 submissions from 4 submitters: Uncertain significance (4). Last evaluated 2025-05-11.

Conditions:
Hereditary cancer-predisposing syndrome. Also called: Hereditary Cancer Syndrome; Tumor predisposition; Hereditary neoplastic syndrome; Neoplastic Syndromes, Hereditary. Identifiers: Orphanet 140162, MedGen C0027672, MeSH D009386, MONDO:0015356.
Familial adenomatous polyposis 1 (FAP1). Also called: FAMILIAL ADENOMATOUS POLYPOSIS 1, ATTENUATED; POLYPOSIS, ADENOMATOUS INTESTINAL. Identifiers: MedGen C2713442, MONDO:0021056, OMIM 175100. Disease mechanism: loss of function.

Submissions (4):

Labcorp Genetics (formerly Invitae), Labcorp
Classification: Uncertain significance for Familial adenomatous polyposis 1. Last evaluated: 2025-05-11. Review status: criteria provided, single submitter. Criteria: Invitae Variant Classification Sherloc (09022015). Collection method: clinical testing. Allele origin: germline.
Comment: This sequence change replaces valine, which is neutral and non-polar, with glycine, which is neutral and non-polar, at codon 2436 of the APC protein (p.Val2436Gly). This variant is not present in population databases (gnomAD no frequency). This variant has not been reported in the literature in individuals affected with APC-related conditions. ClinVar contains an entry for this variant (Variation ID: 647433). Invitae Evidence Modeling of protein sequence and biophysical properties (such as structural, functional, and spatial information, amino acid conservation, physicochemical variation, residue mobility, and thermodynamic stability) indicates that this missense variant is not expected to disrupt APC protein function with a negative predictive value of 95%. In summary, the available evidence is currently insufficient to determine the role of this variant in disease. Therefore, it has been classified as a Variant of Uncertain Significance.

Color Diagnostics, LLC DBA Color Health
Classification: Uncertain significance for Hereditary cancer-predisposing syndrome. Last evaluated: 2023-12-05. Review status: criteria provided, single submitter. Criteria: ACMG Guidelines, 2015. Collection method: clinical testing. Allele origin: germline.
Comment: This missense variant replaces valine with glycine at codon 2436 of the APC protein. Computational prediction tools and conservation analyses suggest that this variant may not impact protein structure and function. Splice site prediction tools suggest that this variant may not impact RNA splicing. To our knowledge, functional studies have not been performed for this variant. This variant has not been reported in individuals affected with hereditary cancer in the literature. This variant has not been identified in the general population by the Genome Aggregation Database (gnomAD). The available evidence is insufficient to determine the role of this variant in disease conclusively. Therefore, this variant is classified as a Variant of Uncertain Significance.

Sema4
Classification: Uncertain significance for Hereditary cancer-predisposing syndrome. Last evaluated: 2022-03-18. Review status: criteria provided, single submitter. Criteria: Sema4 Curation Guidelines. Collection method: curation. Allele origin: germline.
Comment: The APC c.7307T>G (p.V2436G) variant has not been reported in the literature to our knowledge. This variant is not reported in the population database Genome Aggregation Database (PMID: 32461654). The variant has been reported in ClinVar (Variation ID: 647433). Functional studies have not been performed, and in silico predictions of the variant's effect on protein function are inconclusive. The evidence is insufficient to meet ACMG/AMP criteria for classifying the variant as benign or pathogenic. Thus, the clinical significance of this variant is currently uncertain.

Ambry Genetics
Classification: Uncertain significance for Hereditary cancer-predisposing syndrome. Last evaluated: 2019-05-31. Review status: criteria provided, single submitter. Criteria: Ambry Variant Classification Scheme 2023. Collection method: clinical testing. Allele origin: germline.
Comment: The p.V2436G variant (also known as c.7307T>G), located in coding exon 15 of the APC gene, results from a T to G substitution at nucleotide position 7307. The valine at codon 2436 is replaced by glycine, an amino acid with dissimilar properties. This amino acid position is not well conserved in available vertebrate species. In addition, in silico predictors for this gene do not accurately predict pathogenicity. Since supporting evidence is limited at this time, the clinical significance of this alteration remains unclear.

NM_000038.6(APC):c.7307T>G (p.Val2436Gly)

Gene: APC (APC regulator of Wnt signaling pathway; plus strand). Cytogenetic location: 5q22.2.
Variant type: single nucleotide variant.
Coding change: c.7307T>G on transcript NM_000038.6 (MANE Select); coding-DNA position 7307, T replaced by G.
Protein change: p.Val2436Gly; replaces valine 2436 with glycine.
Molecular consequence: missense variant.
Genome position (GRCh38, 1-based): chr5:112,842,901, T>G. VCF-style: chr5-112842901-T-G. GRCh37 (hg19) VCF-style: chr5-112178598-T-G.
Other names: c.7307T>G, p.Val2436Gly (NM_001127510.3, NM_001354895.2); c.7253T>G, p.Val2418Gly (NM_001127511.3); c.7361T>G, p.Val2454Gly (NM_001354896.2); c.7337T>G, p.Val2446Gly (NM_001354897.2); c.7232T>G, p.Val2411Gly (NM_001354898.2); c.7223T>G, p.Val2408Gly (NM_001354899.2); c.7184T>G, p.Val2395Gly (NM_001354900.2); c.7130T>G, p.Val2377Gly (NM_001354901.2); and 5 more; short protein forms V2276G, V2335G, V2411G, V2446G, V2310G, V2408G, V2345G, V2395G.
Identifiers: ClinVar variation 647433 (VCV000647433.18), dbSNP rs1580681058, ClinGen allele CA16037246.
Genomic context (GRCh38, chr5:112,842,901, plus strand): 5'-TTTCTAGAATGTCTTCAACTAAATCAAGTGGAAGTGAATCTGATAGATCAGAAAGACCTG[T>G]ATTAGTACGCCAGTCAACTTTCATCAAAGAAGCTCCAAGCCCAACCTTAAGAAGAAAATT-3'
Protein context (NP_000029.2, residues 2426-2446): GSESDRSERP[Val2436Gly]LVRQSTFIKE